The following is an entry in ClinVar:

ClinVar aggregate classification (germline): Uncertain significance (1 of 4 stars; one submission).

Conditions:
Mucopolysaccharidosis, MPS-III-A (MPS3A). Also called: HEPARAN SULFATE SULFATASE DEFICIENCY; SANFILIPPO SYNDROME A; SULFAMIDASE DEFICIENCY; MPS III A; MPS IIIA (Sanfilippo Syndrome Type A); Mucopolysaccharidosis type IIIA (Sanfilippo A). Identifiers: Orphanet 581, Orphanet 79269, MedGen C0086647, MONDO:0009655, OMIM 252900.

Allele frequency attached by ClinVar (database versions not stated): ExAC 0.00004; gnomAD 0.00002; TOPMed 0.00002; ESP Exome Variant Server 0.00008; gnomAD exomes 0.00003.
gnomAD v4.1: 66 of 1,608,550 alleles (0.0041%); highest among the groups gnomAD compares: Middle Eastern, 0.017%; no homozygotes.

Submission:

Labcorp Genetics (formerly Invitae), Labcorp
Classification: Uncertain significance for Mucopolysaccharidosis, MPS-III-A. Last evaluated: 2022-06-09. Review status: criteria provided, single submitter. Criteria: Invitae Variant Classification Sherloc (09022015). Collection method: clinical testing. Allele origin: germline.
Comment: This sequence change replaces arginine, which is basic and polar, with glutamine, which is neutral and polar, at codon 233 of the SGSH protein (p.Arg233Gln). This variant is present in population databases (rs370291256, gnomAD 0.005%). This variant has not been reported in the literature in individuals affected with SGSH-related conditions. Algorithms developed to predict the effect of missense changes on protein structure and function are either unavailable or do not agree on the potential impact of this missense change (SIFT: "Deleterious"; PolyPhen-2: "Probably Damaging"; Align-GVGD: "Class C0"). In summary, the available evidence is currently insufficient to determine the role of this variant in disease. Therefore, it has been classified as a Variant of Uncertain Significance.

NM_000199.5(SGSH):c.698G>A (p.Arg233Gln)

Gene: SGSH (N-sulfoglucosamine sulfohydrolase; minus strand). Cytogenetic location: 17q25.3.
Variant type: single nucleotide variant.
Coding change: c.698G>A on transcript NM_000199.5 (MANE Select); coding-DNA position 698, G replaced by A.
Protein change: p.Arg233Gln; replaces arginine 233 with glutamine.
Molecular consequence: missense variant. On other transcripts: non-coding transcript variant (1).
Genome position (GRCh38, 1-based): chr17:80,213,851, C>T on the plus strand (G>A on the coding strand, the complement: SGSH is on the minus strand). VCF-style: chr17-80213851-C-T. GRCh37 (hg19) VCF-style: chr17-78187650-C-T.
Other names: c.698G>A, p.Arg233Gln (NM_001352921.3, NM_001352922.2); short protein forms R233Q.
Identifiers: ClinVar variation 1520759 (VCV001520759.3), dbSNP rs370291256, ClinGen allele CA8817834.